The following is an entry in ClinVar:

NM_001384732.1(CPLANE1):c.2291+1G>A

Gene: CPLANE1 (ciliogenesis and planar polarity effector complex subunit 1; minus strand). Cytogenetic location: 5p13.2.
Variant type: single nucleotide variant.
Coding change: c.2291+1G>A on transcript NM_001384732.1 (MANE Select); the canonical splice donor site of the intron after coding-DNA position 2291, G replaced by A.
Molecular consequence: splice donor variant.
Genome position (GRCh38, 1-based): chr5:37,226,303, C>T on the plus strand (G>A on the coding strand, the complement: CPLANE1 is on the minus strand). VCF-style: chr5-37226303-C-T. GRCh37 (hg19) VCF-style: chr5-37226405-C-T.
Other names: c.2291+1G>A (NM_023073.3, NM_023073.4).
Identifiers: ClinVar variation 2139257 (VCV002139257.5), dbSNP rs2548575756, ClinGen allele CA359494459.

ClinVar aggregate classification (germline): Likely pathogenic. Review status: criteria provided, multiple submitters, no conflicts (2 of 4 stars). 2 submissions from 2 submitters: Likely pathogenic (2). Last evaluated 2024-04-15.

Conditions:
Orofaciodigital syndrome type 6 (OFD6). Also called: OROFACIODIGITAL SYNDROME VI; OFDS VI; POLYDACTYLY, CLEFT LIP/PALATE OR LINGUAL LUMP, AND PSYCHOMOTOR RETARDATION; VARADI SYNDROME; VARADI-PAPP SYNDROME; Oral-facial-digital syndrome type 6. Identifiers: Orphanet 2754, MedGen C2745997, MONDO:0010176, OMIM 277170.
Joubert syndrome 17 (JBTS17). Identifiers: Orphanet 475, MedGen C3553264, MONDO:0013824, OMIM 614615.

Allele frequency attached by ClinVar (database versions not stated): gnomAD exomes below 0.00001.

Submissions (2):

Fulgent Genetics
Classification: Likely pathogenic for Orofaciodigital syndrome type 6; Joubert syndrome 17. Last evaluated: 2024-04-15. Review status: criteria provided, single submitter. Criteria: ACMG Guidelines, 2015. Collection method: clinical testing. Allele origin: germline.

Labcorp Genetics (formerly Invitae), Labcorp
Classification: Likely pathogenic. Last evaluated: 2022-08-20. Review status: criteria provided, single submitter. Criteria: Invitae Variant Classification Sherloc (09022015). Collection method: clinical testing. Allele origin: germline.
Comment: This variant is not present in population databases (gnomAD no frequency). This sequence change affects a donor splice site in intron 12 of the CPLANE1 gene. It is expected to disrupt RNA splicing. Variants that disrupt the donor or acceptor splice site typically lead to a loss of protein function (PMID: 16199547), and loss-of-function variants in CPLANE1 are known to be pathogenic (PMID: 24178751, 26092869). This variant has not been reported in the literature in individuals affected with CPLANE1-related conditions. In summary, the currently available evidence indicates that the variant is pathogenic, but additional data are needed to prove that conclusively. Therefore, this variant has been classified as Likely Pathogenic. Algorithms developed to predict the effect of sequence changes on RNA splicing suggest that this variant may disrupt the consensus splice site.

Literature cited by the submitters: PubMed 16199547 (cited by Labcorp Genetics (formerly Invitae), Labcorp); PubMed 24178751 (cited by Labcorp Genetics (formerly Invitae), Labcorp); PubMed 26092869 (cited by Labcorp Genetics (formerly Invitae), Labcorp).